The following is an entry in ClinVar:

NM_000844.4(GRM7):c.139G>A (p.Gly47Arg)

Gene: GRM7 (glutamate metabotropic receptor 7; plus strand). Cytogenetic location: 3p26.1.
Variant type: single nucleotide variant.
Coding change: c.139G>A on transcript NM_000844.4 (MANE Select); coding-DNA position 139, G replaced by A.
Protein change: p.Gly47Arg; replaces glycine 47 with arginine.
Molecular consequence: missense variant.
Genome position (GRCh38, 1-based): chr3:6,861,527, G>A. VCF-style: chr3-6861527-G-A. GRCh37 (hg19) VCF-style: chr3-6903214-G-A.
Other names: c.139G>A, p.Gly47Arg (NM_181874.3); short protein forms G47R.
Identifiers: ClinVar variation 4076857 (VCV004076857.1).

ClinVar aggregate classification (germline): Uncertain significance (1 of 4 stars; one submission).

gnomAD v4.1: 1 of 1,580,072 alleles (0.000063%); highest among the groups gnomAD compares: Non-Finnish European, 0.000086%; no homozygotes.

Submission:

GeneDx
Classification: Uncertain significance. Last evaluated: 2025-02-19. Review status: criteria provided, single submitter. Criteria: GeneDx Variant Classification Process June 2021. Collection method: clinical testing. Allele origin: germline. Affected: yes.
Comment: Not observed at significant frequency in large population cohorts (gnomAD); In silico analysis supports that this missense variant has a deleterious effect on protein structure/function; Has not been previously published as pathogenic or benign to our knowledge